The following is an entry in ClinVar:

NM_014712.3(SETD1A):c.3109A>T (p.Ser1037Cys)

Gene: SETD1A (SET domain containing 1A, histone lysine methyltransferase; plus strand). Cytogenetic location: 16p11.2.
Variant type: single nucleotide variant.
Coding change: c.3109A>T on transcript NM_014712.3 (MANE Select); coding-DNA position 3109, A replaced by T.
Protein change: p.Ser1037Cys; replaces serine 1037 with cysteine.
Molecular consequence: missense variant.
Genome position (GRCh38, 1-based): chr16:30,971,470, A>T. VCF-style: chr16-30971470-A-T. GRCh37 (hg19) VCF-style: chr16-30982791-A-T.
Other names: short protein forms S1037C.
Identifiers: ClinVar variation 2576008 (VCV002576008.1), dbSNP rs1353045040, ClinGen allele CA395622936.
Genomic context (GRCh38, chr16:30,971,470, plus strand): 5'-TGTTCTCTGTATGCTGACTCAGATGGCGAAAATGACAGCACATCAGACTCCGAGAGCAGC[A>T]GCTCTTCCAGCTCCTCATCCTCCTCCTCCTCCTCGTCCTCATCCTCCTCGTCCTCTTCAT-3'
Protein context (NP_055527.1, residues 1027-1047): NDSTSDSESS[Ser1037Cys]SSSSSSSSSS

ClinVar aggregate classification (germline): Uncertain significance (1 of 4 stars; one submission).

Submission:

Institute for Clinical Genetics, University Hospital TU Dresden, University Hospital TU Dresden
Classification: Uncertain significance. Last evaluated: 2022-08-18. Review status: criteria provided, single submitter. Criteria: ACMG Guidelines, 2015. Collection method: clinical testing. Allele origin: paternal.
Comment: PM1, PM2_SUP, PP2